The following is an entry in ClinVar:

ClinVar aggregate classification (germline): Uncertain significance (1 of 4 stars; one submission).

Conditions:
Inborn genetic diseases. Identifiers: MedGen C0950123, MeSH D030342.

Allele frequency attached by ClinVar (database versions not stated): TOPMed below 0.00001; gnomAD 0.00001.

Submission:

Ambry Genetics
Classification: Uncertain significance for Inborn genetic diseases. Last evaluated: 2022-11-19. Review status: criteria provided, single submitter. Criteria: Ambry Variant Classification Scheme 2023. Collection method: clinical testing. Allele origin: germline.
Comment: The p.D1623G variant (also known as c.4868A>G), located in coding exon 21 of the CHD7 gene, results from an A to G substitution at nucleotide position 4868. The aspartic acid at codon 1623 is replaced by glycine, an amino acid with similar properties. This amino acid position is conserved. In addition, the in silico prediction for this alteration is inconclusive. Since supporting evidence is limited at this time, the clinical significance of this alteration remains unclear.

NM_017780.4(CHD7):c.4868A>G (p.Asp1623Gly)

Gene: CHD7 (chromodomain helicase DNA binding protein 7; plus strand). Cytogenetic location: 8q12.2.
Variant type: single nucleotide variant.
Coding change: c.4868A>G on transcript NM_017780.4 (MANE Select); coding-DNA position 4868, A replaced by G.
Protein change: p.Asp1623Gly; replaces aspartic acid 1623 with glycine.
Molecular consequence: missense variant. On other transcripts: intron variant (1).
Genome position (GRCh38, 1-based): chr8:60,844,881, A>G. VCF-style: chr8-60844881-A-G. GRCh37 (hg19) VCF-style: chr8-61757440-A-G.
Other names: c.1717-17348A>G (NM_001316690.1); short protein forms D1623G.
Identifiers: ClinVar variation 2450720 (VCV002450720.2), dbSNP rs781052111, ClinGen allele CA371319764.